The following is an entry in ClinVar:

NM_001128148.3(TFRC):c.1529T>C (p.Met510Thr)

Gene: TFRC (transferrin receptor; minus strand). Cytogenetic location: 3q29.
Variant type: single nucleotide variant.
Coding change: c.1529T>C on transcript NM_001128148.3 (MANE Select); coding-DNA position 1529, T replaced by C.
Protein change: p.Met510Thr; replaces methionine 510 with threonine.
Molecular consequence: missense variant.
Genome position (GRCh38, 1-based): chr3:196,060,187, A>G on the plus strand (T>C on the coding strand, the complement: TFRC is on the minus strand). VCF-style: chr3-196060187-A-G. GRCh37 (hg19) VCF-style: chr3-195787058-A-G.
Other names: c.1286T>C, p.Met429Thr (NM_001313965.2); c.683T>C, p.Met228Thr (NM_001313966.2); c.1529T>C, p.Met510Thr (NM_003234.4); short protein forms M429T, M510T, M228T.
Identifiers: ClinVar variation 1514012 (VCV001514012.8), dbSNP rs376466671, ClinGen allele CA2777882.

ClinVar aggregate classification (germline): Uncertain significance (1 of 4 stars; one submission).

Allele frequency attached by ClinVar (database versions not stated): gnomAD exomes below 0.00001; ExAC 0.00001; gnomAD 0.00001; TOPMed 0.00003; ESP Exome Variant Server 0.00008.
gnomAD v4.1: 8 of 1,613,452 alleles (0.0005%); highest among the groups gnomAD compares: Admixed American, 0.0033%; no homozygotes.

Submission:

Labcorp Genetics (formerly Invitae), Labcorp
Classification: Uncertain significance. Last evaluated: 2023-03-17. Review status: criteria provided, single submitter. Criteria: Invitae Variant Classification Sherloc (09022015). Collection method: clinical testing. Allele origin: germline.
Comment: In summary, the available evidence is currently insufficient to determine the role of this variant in disease. Therefore, it has been classified as a Variant of Uncertain Significance. Advanced modeling of protein sequence and biophysical properties (such as structural, functional, and spatial information, amino acid conservation, physicochemical variation, residue mobility, and thermodynamic stability) performed at Invitae indicates that this missense variant is not expected to disrupt TFRC protein function. ClinVar contains an entry for this variant (Variation ID: 1514012). This variant has not been reported in the literature in individuals affected with TFRC-related conditions. This variant is present in population databases (rs376466671, gnomAD 0.0009%). This sequence change replaces methionine, which is neutral and non-polar, with threonine, which is neutral and polar, at codon 510 of the TFRC protein (p.Met510Thr).